The following is an entry in ClinVar:

ClinVar aggregate classification (germline): Likely benign. Review status: criteria provided, multiple submitters, no conflicts (2 of 4 stars). 2 submissions from 2 submitters: Likely benign (2). Last evaluated 2025-03-01.

Submissions (2):

CeGaT Center for Human Genetics Tuebingen
Classification: Likely benign. Last evaluated: 2025-03-01. Review status: criteria provided, single submitter. Criteria: CeGaT Center For Human Genetics Tuebingen Variant Classification Criteria Version 2. Collection method: clinical testing. Allele origin: germline. Affected: yes. Observed: 1 variant allele.
Comment: APOBR: BP4, BP7

Ambry Genetics
Classification: Likely benign. Last evaluated: 2024-11-13. Review status: criteria provided, single submitter. Criteria: Ambry Variant Classification Scheme 2023. Collection method: clinical testing. Allele origin: germline.

NM_018690.4(APOBR):c.1050A>C (p.Gly350=)

Gene: APOBR (apolipoprotein B receptor; plus strand). Cytogenetic location: 16p12.1.
Variant type: single nucleotide variant.
Coding change: c.1050A>C on transcript NM_018690.4 (MANE Select); coding-DNA position 1050, A replaced by C.
Protein change: p.Gly350=; no amino-acid change (glycine 350 retained).
Molecular consequence: synonymous variant.
Genome position (GRCh38, 1-based): chr16:28,496,091, A>C. VCF-style: chr16-28496091-A-C. GRCh37 (hg19) VCF-style: chr16-28507412-A-C.
Identifiers: ClinVar variation 3417541 (VCV003417541.8).